The following is an entry in ClinVar:

ClinVar aggregate classification (germline): Conflicting classifications of pathogenicity. Review status: criteria provided, conflicting classifications (1 of 4 stars). 3 submissions from 3 submitters: Uncertain significance (2); Likely benign (1). Last evaluated 2024-01-30.

Conditions:
Hereditary breast ovarian cancer syndrome. Also called: Hereditary breast and ovarian cancer syndrome; Hereditary breast and ovarian cancer; Hereditary breast and ovarian cancer syndrome (HBOC); Breast and ovarian cancer; Hereditary breast and/or ovarian cancer syndrome; BRCA1- and BRCA2-Associated Hereditary Breast and Ovarian Cancer. Identifiers: Orphanet 145, MedGen C0677776, MeSH D061325, MONDO:0003582. Disease mechanism: loss of function.
Hereditary cancer-predisposing syndrome. Also called: Neoplastic Syndromes, Hereditary; Tumor predisposition; Hereditary Cancer Syndrome; Hereditary neoplastic syndrome. Identifiers: Orphanet 140162, MedGen C0027672, MeSH D009386, MONDO:0015356.

Submissions (3):

Labcorp Genetics (formerly Invitae), Labcorp
Classification: Uncertain significance for Hereditary breast ovarian cancer syndrome. Last evaluated: 2024-01-30. Review status: criteria provided, single submitter. Criteria: Invitae Variant Classification Sherloc (09022015). Collection method: clinical testing. Allele origin: germline.
Comment: This sequence change replaces phenylalanine, which is neutral and non-polar, with tyrosine, which is neutral and polar, at codon 1427 of the BRCA2 protein (p.Phe1427Tyr). This variant is not present in population databases (gnomAD no frequency). This variant has not been reported in the literature in individuals affected with BRCA2-related conditions. ClinVar contains an entry for this variant (Variation ID: 483125). Advanced modeling of protein sequence and biophysical properties (such as structural, functional, and spatial information, amino acid conservation, physicochemical variation, residue mobility, and thermodynamic stability) performed at Invitae indicates that this missense variant is not expected to disrupt BRCA2 protein function with a negative predictive value of 95%. In summary, the available evidence is currently insufficient to determine the role of this variant in disease. Therefore, it has been classified as a Variant of Uncertain Significance.

University of Washington Department of Laboratory Medicine, University of Washington
Classification: Likely benign for Hereditary cancer-predisposing syndrome. Last evaluated: 2023-03-23. Review status: criteria provided, single submitter. Criteria: Dines et al. (Genet Med. 2020). Collection method: curation. Allele origin: germline.
Comment: Missense variant in a coldspot region where missense variants are very unlikely to be pathogenic (PMID:31911673).

BRCA2 exon 11 coldspot. Reclassification based on statistical prior probability.

Ambry Genetics
Classification: Uncertain significance for Hereditary cancer-predisposing syndrome. Last evaluated: 2022-03-21. Review status: criteria provided, single submitter. Criteria: Ambry Variant Classification Scheme 2023. Collection method: clinical testing. Allele origin: germline.
Comment: The p.F1427Y variant (also known as c.4280T>A), located in coding exon 10 of the BRCA2 gene, results from a T to A substitution at nucleotide position 4280. The phenylalanine at codon 1427 is replaced by tyrosine, an amino acid with highly similar properties. This amino acid position is poorly conserved in available vertebrate species. In addition, this alteration is predicted to be tolerated by in silico analysis. Since supporting evidence is limited at this time, the clinical significance of this alteration remains unclear.

NM_000059.4(BRCA2):c.4280T>A (p.Phe1427Tyr)

Gene: BRCA2 (BRCA2 DNA repair associated; plus strand). Cytogenetic location: 13q13.1.
Variant type: single nucleotide variant.
Coding change: c.4280T>A on transcript NM_000059.4 (MANE Select); coding-DNA position 4280, T replaced by A.
Protein change: p.Phe1427Tyr; replaces phenylalanine 1427 with tyrosine.
Molecular consequence: missense variant.
Genome position (GRCh38, 1-based): chr13:32,338,635, T>A. VCF-style: chr13-32338635-T-A. GRCh37 (hg19) VCF-style: chr13-32912772-T-A.
Other names: short protein forms F1427Y.
Identifiers: ClinVar variation 483125 (VCV000483125.15), dbSNP rs886463005, ClinGen allele CA387780608.
Genomic context (GRCh38, chr13:32,338,635, plus strand): 5'-AACAGTTAACTGCTACTAAAACGGAGCAAAATATAAAAGATTTTGAGACTTCTGATACAT[T>A]TTTTCAGACTGCAAGTGGGAAAAATATTAGTGTCGCCAAAGAGTCATTTAATAAAATTGT-3'
Protein context (NP_000050.3, residues 1417-1437): NIKDFETSDT[Phe1427Tyr]FQTASGKNIS